The following is an entry in ClinVar:

ClinVar aggregate classification (germline): Uncertain significance. Review status: criteria provided, multiple submitters, no conflicts (2 of 4 stars). 4 submissions from 4 submitters: Uncertain significance (4). Last evaluated 2026-07-07.

Conditions:
Malignant hyperthermia, susceptibility to, 1 (MHS1). Also called: Anesthesia related hyperthermia; Malignant hyperpyrexia; Fulminating hyperpyrexia; Pharmacogenic myopathy; RYR1-Related Malignant Hyperthermia Susceptibility; Malignant hyperthermia suceptibility 1. Identifiers: Orphanet 423, MedGen C2930980, MONDO:0007783, OMIM 145600.
Inborn genetic diseases. Identifiers: MedGen C0950123, MeSH D030342.
RYR1-related disorder. Also called: RYR1-related condition; RYR1-related disorders. Identifiers: MedGen CN239331.

Allele frequency attached by ClinVar (database versions not stated): gnomAD exomes 0.00001; gnomAD 0.00001; TOPMed below 0.00001.
gnomAD v4.1: 22 of 1,612,648 alleles (0.0014%); highest among the groups gnomAD compares: Non-Finnish European, 0.0016%; no homozygotes.

Submissions (4):

Ambry Genetics
Classification: Uncertain significance for Inborn genetic diseases. Last evaluated: 2026-07-07. Review status: criteria provided, single submitter. Criteria: Ambry Variant Classification Scheme 2023. Collection method: clinical testing. Allele origin: germline.
Comment: The p.A2846T variant (also known as c.8536G>A), located in coding exon 54 of the RYR1 gene, results from a G to A substitution at nucleotide position 8536. The alanine at codon 2846 is replaced by threonine, an amino acid with similar properties. This amino acid position is conserved. In addition, the in silico prediction for this alteration is inconclusive. Based on the available evidence, the clinical significance of this variant remains unclear.

Color Diagnostics, LLC DBA Color Health
Classification: Uncertain significance for Malignant hyperthermia, susceptibility to, 1. Last evaluated: 2025-06-23. Review status: criteria provided, single submitter. Criteria: ACMG Guidelines, 2015. Collection method: clinical testing. Allele origin: germline.
Comment: This missense variant replaces alanine with threonine at codon 2846 of the RYR1 protein. Computational prediction suggests that this variant may not impact protein structure and function. To our knowledge, functional studies have not been reported for this variant. This variant has not been reported in individuals affected with RYR1-related disorders in the literature. This variant has been identified in 1/248328 chromosomes in the general population by the Genome Aggregation Database (gnomAD). The available evidence is insufficient to determine the role of this variant in disease conclusively. Therefore, this variant is classified as a Variant of Uncertain Significance.

Labcorp Genetics (formerly Invitae), Labcorp
Classification: Uncertain significance for RYR1-related disorder. Last evaluated: 2025-01-31. Review status: criteria provided, single submitter. Criteria: Invitae Variant Classification Sherloc (09022015). Collection method: clinical testing. Allele origin: germline.
Comment: This sequence change replaces alanine, which is neutral and non-polar, with threonine, which is neutral and polar, at codon 2846 of the RYR1 protein (p.Ala2846Thr). This variant is present in population databases (no rsID available, gnomAD 0.0009%). This variant has not been reported in the literature in individuals affected with RYR1-related conditions. ClinVar contains an entry for this variant (Variation ID: 3071841). Invitae Evidence Modeling of protein sequence and biophysical properties (such as structural, functional, and spatial information, amino acid conservation, physicochemical variation, residue mobility, and thermodynamic stability) indicates that this missense variant is not expected to disrupt RYR1 protein function with a negative predictive value of 80%. In summary, the available evidence is currently insufficient to determine the role of this variant in disease. Therefore, it has been classified as a Variant of Uncertain Significance.

All of Us Research Program, National Institutes of Health
Classification: Uncertain significance for Malignant hyperthermia, susceptibility to, 1. Last evaluated: 2023-08-15. Review status: criteria provided, single submitter. Criteria: ACMG Guidelines, 2015. Collection method: clinical testing. Allele origin: germline. Inheritance: Autosomal dominant inheritance. Observed: 2 variant alleles, 2 heterozygotes.
Comment: This missense variant replaces alanine with threonine at codon 2846 of the RYR1 protein. Computational prediction suggests that this variant may not impact protein structure and function (internally defined REVEL score threshold <= 0.5, PMID: 27666373). To our knowledge, functional studies have not been reported for this variant. This variant has not been reported in individuals affected with RYR1-related disorders in the literature. This variant has been identified in 1/248328 chromosomes in the general population by the Genome Aggregation Database (gnomAD). The available evidence is insufficient to determine the role of this variant in disease conclusively. Therefore, this variant is classified as a Variant of Uncertain Significance.

This study involves interpretation of variants in research participants for the purpose of population health screening. Participant phenotype was not available at the time of variant classification. Additional details can be found in publication PMID: 35346344, PMCID: PMC8962531

NM_000540.3(RYR1):c.8536G>A (p.Ala2846Thr)

Genes: RYR1 (ryanodine receptor 1; plus strand), LOC126862902 (BRD4-independent group 4 enhancer GRCh37_chr19:38995830-38997029; plus strand). Cytogenetic location: 19q13.2.
Variant type: single nucleotide variant.
Coding change: c.8536G>A on transcript NM_000540.3 (MANE Select); coding-DNA position 8536, G replaced by A.
Protein change: p.Ala2846Thr; replaces alanine 2846 with threonine.
Molecular consequence: missense variant.
Genome position (GRCh38, 1-based): chr19:38,505,941, G>A. VCF-style: chr19-38505941-G-A. GRCh37 (hg19) VCF-style: chr19-38996581-G-A.
Other names: c.8536G>A, p.Ala2846Thr (NM_001042723.2); short protein forms A2846T.
Identifiers: ClinVar variation 3071841 (VCV003071841.4), dbSNP rs1368371779, ClinGen allele CA405679087.